The following is an entry in ClinVar:

NM_006734.4(HIVEP2):c.6218G>A (p.Arg2073Lys)

Gene: HIVEP2 (HIVEP zinc finger 2; minus strand). Cytogenetic location: 6q24.2.
Variant type: single nucleotide variant.
Coding change: c.6218G>A on transcript NM_006734.4 (MANE Select); coding-DNA position 6218, G replaced by A.
Protein change: p.Arg2073Lys; replaces arginine 2073 with lysine.
Molecular consequence: missense variant.
Genome position (GRCh38, 1-based): chr6:142,760,070, C>T on the plus strand (G>A on the coding strand, the complement: HIVEP2 is on the minus strand). VCF-style: chr6-142760070-C-T. GRCh37 (hg19) VCF-style: chr6-143081207-C-T.
Other names: short protein forms R2073K.
Identifiers: ClinVar variation 2859372 (VCV002859372.3), dbSNP rs2482768294, ClinGen allele CA365887238.

ClinVar aggregate classification (germline): Uncertain significance (1 of 4 stars; one submission).

Submission:

Labcorp Genetics (formerly Invitae), Labcorp
Classification: Uncertain significance. Last evaluated: 2023-04-26. Review status: criteria provided, single submitter. Criteria: Invitae Variant Classification Sherloc (09022015). Collection method: clinical testing. Allele origin: germline.
Comment: In summary, the available evidence is currently insufficient to determine the role of this variant in disease. Therefore, it has been classified as a Variant of Uncertain Significance. Advanced modeling of protein sequence and biophysical properties (such as structural, functional, and spatial information, amino acid conservation, physicochemical variation, residue mobility, and thermodynamic stability) has been performed at Invitae for this missense variant, however the output from this modeling did not meet the statistical confidence thresholds required to predict the impact of this variant on HIVEP2 protein function. This variant has not been reported in the literature in individuals affected with HIVEP2-related conditions. This variant is not present in population databases (gnomAD no frequency). This sequence change replaces arginine, which is basic and polar, with lysine, which is basic and polar, at codon 2073 of the HIVEP2 protein (p.Arg2073Lys).